The following is an entry in ClinVar:

ClinVar aggregate classification (germline): Uncertain significance. Review status: criteria provided, multiple submitters, no conflicts (2 of 4 stars). 3 submissions from 3 submitters: Uncertain significance (3). Last evaluated 2025-12-06.

Conditions:
Hereditary cancer-predisposing syndrome. Also called: Hereditary Cancer Syndrome; Neoplastic Syndromes, Hereditary; Tumor predisposition; Hereditary neoplastic syndrome. Identifiers: Orphanet 140162, MedGen C0027672, MeSH D009386, MONDO:0015356.
Familial cancer of breast. Also called: Hereditary breast cancer; BREAST CANCER, FAMILIAL; hereditary breast carcinoma. Identifiers: Orphanet 227535, MedGen C0346153, MONDO:0016419, OMIM 114480. Disease mechanism: loss of function.

Submissions (3):

Labcorp Genetics (formerly Invitae), Labcorp
Classification: Uncertain significance for Familial cancer of breast. Last evaluated: 2025-12-06. Review status: criteria provided, single submitter. Criteria: Invitae Variant Classification Sherloc (09022015). Collection method: clinical testing. Allele origin: germline.
Comment: This sequence change replaces alanine, which is neutral and non-polar, with threonine, which is neutral and polar, at codon 746 of the PALB2 protein (p.Ala746Thr). This variant is not present in population databases (gnomAD no frequency). This variant has not been reported in the literature in individuals affected with PALB2-related conditions. ClinVar contains an entry for this variant (Variation ID: 490074). Invitae Evidence Modeling of protein sequence and biophysical properties (such as structural, functional, and spatial information, amino acid conservation, physicochemical variation, residue mobility, and thermodynamic stability) indicates that this missense variant is not expected to disrupt PALB2 protein function with a negative predictive value of 80%. In summary, the available evidence is currently insufficient to determine the role of this variant in disease. Therefore, it has been classified as a Variant of Uncertain Significance.

Ambry Genetics
Classification: Uncertain significance for Hereditary cancer-predisposing syndrome. Last evaluated: 2025-05-16. Review status: criteria provided, single submitter. Criteria: Ambry Variant Classification Scheme 2023. Collection method: clinical testing. Allele origin: germline.
Comment: The p.A746T variant (also known as c.2236G>A), located in coding exon 5 of the PALB2 gene, results from a G to A substitution at nucleotide position 2236. The alanine at codon 746 is replaced by threonine, an amino acid with similar properties. This amino acid position is conserved. In addition, this alteration is predicted to be tolerated by in silico analysis. Based on the available evidence, the clinical significance of this variant remains unclear.

Color Diagnostics, LLC DBA Color Health
Classification: Uncertain significance for Hereditary cancer-predisposing syndrome. Last evaluated: 2024-03-06. Review status: criteria provided, single submitter. Criteria: ACMG Guidelines, 2015. Collection method: clinical testing. Allele origin: germline.
Comment: This missense variant replaces alanine with threonine at codon 746 of the PALB2 protein. Computational prediction suggests that this variant may not impact protein structure and function (internally defined REVEL score threshold <= 0.5, PMID: 27666373). Splice site prediction tools suggest that this variant may not impact RNA splicing. To our knowledge, functional studies have not been performed for this variant. This variant has not been reported in individuals affected with hereditary cancer in the literature. This variant has not been identified in the general population by the Genome Aggregation Database (gnomAD). The available evidence is insufficient to determine the role of this variant in disease conclusively. Therefore, this variant is classified as a Variant of Uncertain Significance.

NM_024675.4(PALB2):c.2236G>A (p.Ala746Thr)

Gene: PALB2 (partner and localizer of BRCA2; minus strand). Cytogenetic location: 16p12.2.
Variant type: single nucleotide variant.
Coding change: c.2236G>A on transcript NM_024675.4 (MANE Select); coding-DNA position 2236, G replaced by A.
Protein change: p.Ala746Thr; replaces alanine 746 with threonine.
Molecular consequence: missense variant.
Genome position (GRCh38, 1-based): chr16:23,629,918, C>T on the plus strand (G>A on the coding strand, the complement: PALB2 is on the minus strand). VCF-style: chr16-23629918-C-T. GRCh37 (hg19) VCF-style: chr16-23641239-C-T.
Other names: short protein forms A746T.
Identifiers: ClinVar variation 490074 (VCV000490074.17), dbSNP rs1555460433, ClinGen allele CA395125520.
Genomic context (GRCh38, chr16:23,629,918, plus strand): 5'-AGTCTTTCAAATGAGCAAGTTGGGGTGTGCAGCAAGTTCGTCCAGCAACTTCTGTAGATG[C>T]TTTTTCATAGGAGCCTTGAGGGCCAAAGGCTGGAGTAGTACCTAAGATGGGGAAAGCAGG-3'
Protein context (NP_078951.2, residues 736-756): AFGPQGSYEK[Ala746Thr]STEVAGRTCC